The following is an entry in ClinVar:

NM_001004334.4(GPR179):c.1750G>C (p.Glu584Gln)

Gene: GPR179 (G protein-coupled receptor 179; minus strand). Cytogenetic location: 17q12.
Variant type: single nucleotide variant.
Coding change: c.1750G>C on transcript NM_001004334.4 (MANE Select); coding-DNA position 1750, G replaced by C.
Protein change: p.Glu584Gln; replaces glutamic acid 584 with glutamine.
Molecular consequence: missense variant.
Genome position (GRCh38, 1-based): chr17:38,334,738, C>G on the plus strand (G>C on the coding strand, the complement: GPR179 is on the minus strand). VCF-style: chr17-38334738-C-G. GRCh37 (hg19) VCF-style: chr17-36490621-C-G.
Other names: short protein forms E584Q.
Identifiers: ClinVar variation 2099119 (VCV002099119.4), dbSNP rs2037387793, ClinGen allele CA398886007.

ClinVar aggregate classification (germline): Uncertain significance (1 of 4 stars; one submission).

Allele frequency attached by ClinVar (database versions not stated): TOPMed below 0.00001; gnomAD 0.00001.
gnomAD v4.1: 1 of 1,613,768 alleles (0.000062%); highest among the groups gnomAD compares: Admixed American, 0.0017%; no homozygotes.

Submission:

Labcorp Genetics (formerly Invitae), Labcorp
Classification: Uncertain significance. Last evaluated: 2023-05-23. Review status: criteria provided, single submitter. Criteria: Invitae Variant Classification Sherloc (09022015). Collection method: clinical testing. Allele origin: germline.
Comment: In summary, the available evidence is currently insufficient to determine the role of this variant in disease. Therefore, it has been classified as a Variant of Uncertain Significance. An algorithm developed to predict the effect of missense changes on protein structure and function (PolyPhen-2) suggests that this variant is likely to be disruptive. ClinVar contains an entry for this variant (Variation ID: 2099119). This variant has not been reported in the literature in individuals affected with GPR179-related conditions. This variant is not present in population databases (gnomAD no frequency). This sequence change replaces glutamic acid, which is acidic and polar, with glutamine, which is neutral and polar, at codon 584 of the GPR179 protein (p.Glu584Gln).